The following is an entry in ClinVar:

NM_014244.5(ADAMTS2):c.3365C>A (p.Thr1122Asn)

Gene: ADAMTS2 (ADAM metallopeptidase with thrombospondin type 1 motif 2; minus strand). Cytogenetic location: 5q35.3.
Variant type: single nucleotide variant.
Coding change: c.3365C>A on transcript NM_014244.5 (MANE Select); coding-DNA position 3365, C replaced by A.
Protein change: p.Thr1122Asn; replaces threonine 1122 with asparagine.
Molecular consequence: missense variant.
Genome position (GRCh38, 1-based): chr5:179,114,138, G>T on the plus strand (C>A on the coding strand, the complement: ADAMTS2 is on the minus strand). VCF-style: chr5-179114138-G-T. GRCh37 (hg19) VCF-style: chr5-178541139-G-T.
Other names: short protein forms T1122N.
Identifiers: ClinVar variation 3768738 (VCV003768738.1).

ClinVar aggregate classification (germline): Uncertain significance (1 of 4 stars; one submission).

Submission:

Women's Health and Genetics/Laboratory Corporation of America, LabCorp
Classification: Uncertain significance. Last evaluated: 2025-02-25. Review status: criteria provided, single submitter. Criteria: LabCorp Variant Classification Summary - May 2015. Collection method: clinical testing. Allele origin: germline.
Comment: Variant summary: ADAMTS2 c.3365C>A (p.Thr1122Asn) results in a non-conservative amino acid change in the encoded protein sequence. Four of five in-silico tools predict a benign effect of the variant on protein function. The variant was absent in 251188 control chromosomes. The available data on variant occurrences in the general population are insufficient to allow any conclusion about variant significance. To our knowledge, no occurrence of c.3365C>A in individuals affected with Ehlers-Danlos syndrome, dermatosparaxis type and no experimental evidence demonstrating its impact on protein function have been reported. No submitters have cited clinical-significance assessments for this variant to ClinVar. Based on the evidence outlined above, the variant was classified as uncertain significance.